The following is an entry in ClinVar:

NM_182972.3(IRF2BP2):c.1025A>C (p.Asn342Thr)

Genes: IRF2BP2 (interferon regulatory factor 2 binding protein 2; minus strand), LOC129932810 (ATAC-STARR-seq lymphoblastoid active region 2760; plus strand). Cytogenetic location: 1q42.3.
Variant type: single nucleotide variant.
Coding change: c.1025A>C on transcript NM_182972.3 (MANE Select); coding-DNA position 1025, A replaced by C.
Protein change: p.Asn342Thr; replaces asparagine 342 with threonine.
Molecular consequence: missense variant. On other transcripts: intron variant (1).
Genome position (GRCh38, 1-based): chr1:234,608,470, T>G on the plus strand (A>C on the coding strand, the complement: IRF2BP2 is on the minus strand). VCF-style: chr1-234608470-T-G. GRCh37 (hg19) VCF-style: chr1-234744216-T-G.
Other names: c.1000+25A>C (NM_001077397.1); short protein forms N342T.
Identifiers: ClinVar variation 4731611 (VCV004731611.1).

ClinVar aggregate classification (germline): Uncertain significance (1 of 4 stars; one submission).

Submission:

Labcorp Genetics (formerly Invitae), Labcorp
Classification: Uncertain significance. Last evaluated: 2025-11-20. Review status: criteria provided, single submitter. Criteria: Invitae Variant Classification Sherloc (09022015). Collection method: clinical testing. Allele origin: germline.
Comment: This sequence change replaces asparagine, which is neutral and polar, with threonine, which is neutral and polar, at codon 342 of the IRF2BP2 protein (p.Asn342Thr). This variant is not present in population databases (gnomAD no frequency). This variant has not been reported in the literature in individuals affected with IRF2BP2-related conditions. An algorithm developed to predict the effect of missense changes on protein structure and function (PolyPhen-2) suggests that this variant is likely to be tolerated. In summary, the available evidence is currently insufficient to determine the role of this variant in disease. Therefore, it has been classified as a Variant of Uncertain Significance.